The following is an entry in ClinVar:

ClinVar aggregate classification (germline): Uncertain significance (1 of 4 stars; one submission).

Allele frequency attached by ClinVar (database versions not stated): gnomAD exomes below 0.00001; TOPMed below 0.00001.
gnomAD v4.1: 1 of 1,612,200 alleles (0.000062%); highest among the groups gnomAD compares: Non-Finnish European, 0.000085%; no homozygotes.

Submission:

Labcorp Genetics (formerly Invitae), Labcorp
Classification: Uncertain significance. Last evaluated: 2022-07-19. Review status: criteria provided, single submitter. Criteria: Invitae Variant Classification Sherloc (09022015). Collection method: clinical testing. Allele origin: germline.
Comment: In summary, the available evidence is currently insufficient to determine the role of this variant in disease. Therefore, it has been classified as a Variant of Uncertain Significance. Algorithms developed to predict the effect of sequence changes on RNA splicing suggest that this variant is not likely to affect RNA splicing. ClinVar contains an entry for this variant (Variation ID: 1370507). This variant has not been reported in the literature in individuals affected with LRP2-related conditions. This variant is not present in population databases (gnomAD no frequency). This sequence change affects codon 838 of the LRP2 mRNA. It is a 'silent' change, meaning that it does not change the encoded amino acid sequence of the LRP2 protein. It affects a nucleotide within the consensus splice site.

NM_004525.3(LRP2):c.2514G>A (p.Gly838=)

Gene: LRP2 (LDL receptor related protein 2; minus strand). Cytogenetic location: 2q31.1.
Variant type: single nucleotide variant.
Coding change: c.2514G>A on transcript NM_004525.3 (MANE Select); coding-DNA position 2514, G replaced by A.
Protein change: p.Gly838=; no amino-acid change (glycine 838 retained).
Molecular consequence: synonymous variant.
Genome position (GRCh38, 1-based): chr2:169,257,249, C>T on the plus strand (G>A on the coding strand, the complement: LRP2 is on the minus strand). VCF-style: chr2-169257249-C-T. GRCh37 (hg19) VCF-style: chr2-170113759-C-T.
Identifiers: ClinVar variation 1370507 (VCV001370507.4), dbSNP rs982274010, ClinGen allele CA59920579.